The following is an entry in ClinVar:

ClinVar aggregate classification (germline): Likely pathogenic (1 of 4 stars; one submission).

Conditions:
Amelogenesis imperfecta type 1G (AI1G). Also called: ENAMEL-RENAL-GINGIVAL SYNDROME; AMELOGENESIS IMPERFECTA, HYPOPLASTIC, WITH NEPHROCALCINOSIS; AMELOGENESIS IMPERFECTA, HYPOPLASTIC, AND NEPHROCALCINOSIS; Amelogenesis imperfecta-gingival hyperplasia syndrome; Amelogenesis imperfecta nephrocalcinosis; Enamel renal syndrome. Identifiers: Orphanet 1031, Orphanet 171836, MedGen C2931783, MONDO:0008771, OMIM 204690. Disease mechanism: loss of function.

Allele frequency attached by ClinVar (database versions not stated): gnomAD exomes below 0.00001.

Submission:

Neuberg Centre For Genomic Medicine, NCGM
Classification: Likely pathogenic for Amelogenesis imperfecta type 1G. Last evaluated: 2023-02-14. Review status: criteria provided, single submitter. Criteria: ACMG Guidelines, 2015. Collection method: clinical testing. Allele origin: germline. Inheritance: Autosomal recessive inheritance. Affected: yes.
Comment: The frameshift c.626dup(p.Cys209TrpfsTer2) variant in FAM20A gene has not been reported previously as a pathogenic variant nor as a benign variant, to our knowledge. The p.Cys209TrpfsTer2 variant is novel (not in any individuals) in gnomAD Exomes and 1000 Genomes databases. This variant has not been reported to the ClinVar database. This variant causes a frameshift starting with codon Cysteine 209, changes this amino acid to Tryptophan residue, and creates a premature Stop codon at position 2 of the new reading frame, denoted p.Cys209TrpfsTer2. This variant is predicted to cause loss of normal protein function through protein truncation. Loss of function variants have been previously reported to be disease causing. For these reasons, this variant has been classified as Likely Pathogenic.

NM_017565.4(FAM20A):c.626dup (p.Cys209fs)

Gene: FAM20A (FAM20A golgi associated secretory pathway pseudokinase; minus strand). Cytogenetic location: 17q24.2.
Variant type: Duplication.
Coding change: c.626dup on transcript NM_017565.4 (MANE Select); coding-DNA position 626, one base duplicated (G; older notation c.626dupG).
Protein change: p.Cys209fs; shifts the reading frame from cysteine 209.
Molecular consequence: frameshift variant. On other transcripts: non-coding transcript variant (1).
Genome position (GRCh38, 1-based): chr17:68,554,791, C duplicated on the plus strand (G on the coding strand, the reverse complement: FAM20A is on the minus strand). VCF-style (leftmost placement, unchanged base first): chr17-68554790-A-AC. GRCh37 (hg19) VCF-style: chr17-66550931-A-AC.
Other names: c.212dup, p.Cys71fs (NM_001243746.2); short protein forms C209fs, C71fs.
Identifiers: ClinVar variation 2664908 (VCV002664908.1), dbSNP rs2509578117, ClinGen allele CA2639521710.